The following is an entry in ClinVar:

ClinVar aggregate classification (germline): Pathogenic (1 of 4 stars; one submission).

Submission:

Labcorp Genetics (formerly Invitae), Labcorp
Classification: Pathogenic. Last evaluated: 2023-02-24. Review status: criteria provided, single submitter. Criteria: Invitae Variant Classification Sherloc (09022015). Collection method: clinical testing. Allele origin: germline.
Comment: This variant is present in population databases (rs771718064, gnomAD 0.04%). For these reasons, this variant has been classified as Pathogenic. This variant has not been reported in the literature in individuals affected with TG-related conditions. This sequence change creates a premature translational stop signal (p.Met2444Ilefs*20) in the TG gene. It is expected to result in an absent or disrupted protein product. Loss-of-function variants in TG are known to be pathogenic (PMID: 19837936, 23164529).

Literature cited by the submitters: PubMed 19837936; PubMed 23164529.

NM_003235.5(TG):c.7332_7333del (p.Met2444fs)

Genes: SLA (Src like adaptor; minus strand), TG (thyroglobulin; plus strand). Cytogenetic location: 8q24.22.
Variant type: Deletion.
Coding change: c.7332_7333del on transcript NM_003235.5 (MANE Select); coding-DNA positions 7332 to 7333, 2 bases deleted (GT; older notation c.7332_7333delGT).
Protein change: p.Met2444fs; shifts the reading frame from methionine 2444.
Molecular consequence: frameshift variant. On other transcripts: intron variant (4).
Genome position (GRCh38, 1-based): chr8:133,095,136-133,095,137, GT deleted; deleting any 2 consecutive bases within chr8:133,095,135-133,095,137 gives the same sequence; the c. name uses the placement nearest the transcript's 3' end. VCF-style (leftmost placement, unchanged base first): chr8-133095134-ATG-A. GRCh37 (hg19) VCF-style: chr8-134107378-ATG-A.
Other names: c.-264+7417_-264+7418del (NM_001282965.2); c.11+7417_11+7418del (NM_001282964.2, NM_001045557.3); c.-319+7417_-319+7418del (NM_001045556.3); short protein forms M2444fs.
Identifiers: ClinVar variation 2967695 (VCV002967695.3), dbSNP rs771718064, ClinGen allele CA4885605.